The following is an entry in ClinVar:

NM_178452.6(DNAAF1):c.655T>C (p.Cys219Arg)

Gene: DNAAF1 (dynein axonemal assembly factor 1; plus strand). Cytogenetic location: 16q24.1.
Variant type: single nucleotide variant.
Coding change: c.655T>C on transcript NM_178452.6 (MANE Select); coding-DNA position 655, T replaced by C.
Protein change: p.Cys219Arg; replaces cysteine 219 with arginine.
Molecular consequence: missense variant.
Genome position (GRCh38, 1-based): chr16:84,155,663, T>C. VCF-style: chr16-84155663-T-C. GRCh37 (hg19) VCF-style: chr16-84189268-T-C.
Other names: short protein forms C219R.
Identifiers: ClinVar variation 2145984 (VCV002145984.5), dbSNP rs773607269, ClinGen allele CA8202562.

ClinVar aggregate classification (germline): Uncertain significance. Review status: criteria provided, multiple submitters, no conflicts (2 of 4 stars). 2 submissions from 2 submitters: Uncertain significance (2). Last evaluated 2023-05-13.

Conditions:
Primary ciliary dyskinesia. Also called: Ciliary dyskinesia. Identifiers: Orphanet 244, MedGen C0008780, MONDO:0016575, HP:0012265.

Allele frequency attached by ClinVar (database versions not stated): ExAC 0.00002; TOPMed 0.00003; gnomAD 0.00007.
gnomAD v4.1: 34 of 1,613,862 alleles (0.0021%); highest among the groups gnomAD compares: African/African-American, 0.013%; no homozygotes.

Submissions (2):

Labcorp Genetics (formerly Invitae), Labcorp
Classification: Uncertain significance for Primary ciliary dyskinesia. Last evaluated: 2023-05-13. Review status: criteria provided, single submitter. Criteria: Invitae Variant Classification Sherloc (09022015). Collection method: clinical testing. Allele origin: germline.
Comment: This sequence change replaces cysteine, which is neutral and slightly polar, with arginine, which is basic and polar, at codon 219 of the DNAAF1 protein (p.Cys219Arg). This variant is present in population databases (rs773607269, gnomAD 0.02%). This variant has not been reported in the literature in individuals affected with DNAAF1-related conditions. ClinVar contains an entry for this variant (Variation ID: 2145984). An algorithm developed to predict the effect of missense changes on protein structure and function (PolyPhen-2) suggests that this variant is likely to be disruptive. In summary, the available evidence is currently insufficient to determine the role of this variant in disease. Therefore, it has been classified as a Variant of Uncertain Significance.

Blueprint Genetics
Classification: Uncertain significance. Last evaluated: 2021-12-22. Review status: criteria provided, single submitter. Criteria: ACMG Guidelines, 2015. Collection method: clinical testing. Allele origin: germline.